The following is an entry in ClinVar:

ClinVar aggregate classification (germline): Uncertain significance (1 of 4 stars; one submission).

Conditions:
SOS2-related disorder. Also called: SOS2-related condition.

Submission:

PreventionGenetics, part of Exact Sciences
Classification: Uncertain significance for SOS2-related condition. Last evaluated: 2023-06-26. Review status: criteria provided, single submitter. Criteria: ACMG Guidelines, 2015. Collection method: clinical testing. Allele origin: germline.
Comment: The SOS2 c.2548_2554del7 variant is predicted to result in a frameshift and premature protein termination (p.Leu850Glufs*3). To our knowledge, this variant has not been reported in the literature or in a large population database, indicating this variant is rare. Pathogenic missense variants in SOS2 are nearly exclusively missense variants or inframe deletions that result in a gain-of-function. Currently the clinical significance of loss-of-function variants in SOS2 is uncertain. At this time, the clinical significance of this variant is uncertain due to the absence of conclusive functional and genetic evidence.

NM_006939.4(SOS2):c.2548_2554del (p.Leu850fs)

Gene: SOS2 (SOS Ras/Rho guanine nucleotide exchange factor 2; minus strand). Cytogenetic location: 14q21.3.
Variant type: Deletion.
Coding change: c.2548_2554del on transcript NM_006939.4 (MANE Select); coding-DNA positions 2548 to 2554, 7 bases deleted (CTAAGTA; older notation c.2548_2554delCTAAGTA).
Protein change: p.Leu850fs; shifts the reading frame from leucine 850.
Molecular consequence: frameshift variant.
Genome position (GRCh38, 1-based): chr14:50,145,283-50,145,289, TACTTAG deleted on the plus strand (CTAAGTA on the coding strand, the reverse complement: SOS2 is on the minus strand); deleting any 7 consecutive bases within chr14:50,145,283-50,145,293 gives the same sequence; the c. name uses the placement nearest the transcript's 3' end. VCF-style (leftmost placement, unchanged base first): chr14-50145282-CTACTTAG-C. GRCh37 (hg19) VCF-style: chr14-50612000-CTACTTAG-C.
Other names: c.2449_2455del, p.Leu817fs (NM_001411020.1); short protein forms L817fs, L850fs.
Identifiers: ClinVar variation 2632641 (VCV002632641.1), dbSNP rs2502915206, ClinGen allele CA2695199819.
Genomic context (GRCh38, chr14:50,145,282, plus strand): 5'-ATCTCCAATACGCCATTGAAATTATTCAAATCTTGAAAAACTTGCAGAATTTCTATAATT[CTACTTAG>C]TACTGCCACCCGTTCTTCAAAATTTTCTGCTTCCACAATGCATCTAACAACAACAAAAAT-3'